The following is an entry in ClinVar:

ClinVar aggregate classification (germline): Uncertain significance (1 of 4 stars; one submission).

Submission:

Labcorp Genetics (formerly Invitae), Labcorp
Classification: Uncertain significance. Last evaluated: 2022-11-23. Review status: criteria provided, single submitter. Criteria: Invitae Variant Classification Sherloc (09022015). Collection method: clinical testing. Allele origin: germline.
Comment: In summary, the available evidence is currently insufficient to determine the role of this variant in disease. Therefore, it has been classified as a Variant of Uncertain Significance. Algorithms developed to predict the effect of missense changes on protein structure and function are either unavailable or do not agree on the potential impact of this missense change (SIFT: "Tolerated"; PolyPhen-2: "Probably Damaging"; Align-GVGD: "Class C0"). This sequence change replaces serine, which is neutral and polar, with arginine, which is basic and polar, at codon 1100 of the TTBK2 protein (p.Ser1100Arg). This variant is not present in population databases (gnomAD no frequency). This variant has not been reported in the literature in individuals affected with TTBK2-related conditions.

NM_173500.4(TTBK2):c.3298A>C (p.Ser1100Arg)

Gene: TTBK2 (tau tubulin kinase 2; minus strand). Cytogenetic location: 15q15.2.
Variant type: single nucleotide variant.
Coding change: c.3298A>C on transcript NM_173500.4 (MANE Select); coding-DNA position 3298, A replaced by C.
Protein change: p.Ser1100Arg; replaces serine 1100 with arginine.
Molecular consequence: missense variant.
Genome position (GRCh38, 1-based): chr15:42,746,232, T>G on the plus strand (A>C on the coding strand, the complement: TTBK2 is on the minus strand). VCF-style: chr15-42746232-T-G. GRCh37 (hg19) VCF-style: chr15-43038430-T-G.
Other names: short protein forms S1100R.
Identifiers: ClinVar variation 2815669 (VCV002815669.3), dbSNP rs2506166710, ClinGen allele CA392067051.